The following is an entry in ClinVar:

ClinVar aggregate classification (germline): Likely pathogenic (1 of 4 stars; one submission).

Conditions:
MYH10-related neurodevelopmental disorder with congenital anomalies. Identifiers: MedGen CN378591, MONDO:0700281.

Submission:

Women's Health and Genetics/Laboratory Corporation of America, LabCorp
Classification: Likely pathogenic for MYH10-related neurodevelopmental disorder with congenital anomalies. Last evaluated: 2025-01-02. Review status: criteria provided, single submitter. Criteria: LabCorp Variant Classification Summary - May 2015. Collection method: clinical testing. Allele origin: germline.
Comment: Variant summary: MYH10 c.5175+2T>C is located in a canonical splice-site and is predicted to affect mRNA splicing resulting in a significantly altered protein due to either exon skipping, shortening, or inclusion of intronic material. Variants that disrupt the consensus splice site are a relatively common cause of aberrant splicing and loss of MYH10 function. Several computational tools predict a significant impact on normal splicing: one predicts the variant abolishes a 5 prime splicing donor site; one predict the variant creates a 5 prime donor site; one predict the variant strengthens a 5 prime donor site. However, these predictions have yet to be confirmed by functional studies. The frequency data for this variant in gnomAD is considered unreliable, as metrics indicate poor data quality at this position. To our knowledge, no occurrence of c.5175+2T>C in individuals affected with MYH10-Related Neurodevelopmental Disorder With Congenital Anomalies and no experimental evidence demonstrating its impact on protein function have been reported. No submitters have cited clinical-significance assessments for this variant to ClinVar. Based on the evidence outlined above, the variant was classified as likely pathogenic.

NM_001256012.3(MYH10):c.5175+2T>C

Gene: MYH10 (myosin heavy chain 10; minus strand). Cytogenetic location: 17p13.1.
Variant type: single nucleotide variant.
Coding change: c.5175+2T>C on transcript NM_001256012.3 (MANE Select); the canonical splice donor site of the intron after coding-DNA position 5175, T replaced by C.
Molecular consequence: splice donor variant.
Genome position (GRCh38, 1-based): chr17:8,484,136, A>G on the plus strand (T>C on the coding strand, the complement: MYH10 is on the minus strand). VCF-style: chr17-8484136-A-G. GRCh37 (hg19) VCF-style: chr17-8387454-A-G.
Other names: c.5112+2T>C (NM_001375266.1); c.5082+2T>C (NM_005964.5); c.5109+2T>C (NM_001256095.2).
Identifiers: ClinVar variation 3769338 (VCV003769338.2).